The following is an entry in ClinVar:

ClinVar aggregate classification (germline): Likely benign (0 of 4 stars; one submission).

Conditions:
SEMA3F-related disorder. Also called: SEMA3F-related condition.

Submission:

PreventionGenetics, part of Exact Sciences
Classification: Likely benign for SEMA3F-related condition. Last evaluated: 2021-05-20. Review status: no assertion criteria provided. Collection method: clinical testing. Allele origin: germline.
Comment: This variant is classified as likely benign based on ACMG/AMP sequence variant interpretation guidelines (Richards et al. 2015 PMID: 25741868, with internal and published modifications).

NM_004186.5(SEMA3F):c.2172G>T (p.Thr724=)

Gene: SEMA3F (semaphorin 3F; plus strand). Cytogenetic location: 3p21.31.
Variant type: single nucleotide variant.
Coding change: c.2172G>T on transcript NM_004186.5 (MANE Select); coding-DNA position 2172, G replaced by T.
Protein change: p.Thr724=; no amino-acid change (threonine 724 retained).
Molecular consequence: synonymous variant.
Genome position (GRCh38, 1-based): chr3:50,187,929, G>T. VCF-style: chr3-50187929-G-T. GRCh37 (hg19) VCF-style: chr3-50225362-G-T.
Other names: c.1875G>T, p.Thr625= (NM_001318798.2); c.2079G>T, p.Thr693= (NM_001318800.2).
Identifiers: ClinVar variation 3356891 (VCV003356891.1).